The following is an entry in ClinVar:

NM_020754.4(ARHGAP31):c.2407G>A (p.Gly803Ser)

Gene: ARHGAP31 (Rho GTPase activating protein 31; plus strand). Cytogenetic location: 3q13.33.
Variant type: single nucleotide variant.
Coding change: c.2407G>A on transcript NM_020754.4 (MANE Select); coding-DNA position 2407, G replaced by A.
Protein change: p.Gly803Ser; replaces glycine 803 with serine.
Molecular consequence: missense variant.
Genome position (GRCh38, 1-based): chr3:119,414,336, G>A. VCF-style: chr3-119414336-G-A. GRCh37 (hg19) VCF-style: chr3-119133183-G-A.
Other names: short protein forms G803S.
Identifiers: ClinVar variation 342658 (VCV000342658.22), dbSNP rs3732413, ClinGen allele CA2554030.

ClinVar aggregate classification (germline): Benign. Review status: criteria provided, multiple submitters, no conflicts (2 of 4 stars). 7 submissions from 7 submitters: Benign (7). Last evaluated 2026-02-03.

Conditions:
Adams-Oliver syndrome 1 (AOS1). Also called: ABSENCE DEFECT OF LIMBS, SCALP, AND SKULL; APLASIA CUTIS CONGENITA WITH TERMINAL TRANSVERSE LIMB DEFECTS; CONGENITAL SCALP DEFECTS WITH DISTAL LIMB REDUCTION ANOMALIES. Identifiers: Orphanet 974, MedGen C4551482, MONDO:0024506, OMIM 100300.

Allele frequency attached by ClinVar (database versions not stated): gnomAD exomes 0.80512 and 0.80527; ExAC 0.80828; TOPMed 0.82931; ESP Exome Variant Server 0.83161; gnomAD 0.83326 and 0.83331; 1000 Genomes Project 30x 0.84510; 1000 Genomes Project 0.84565.
gnomAD v4.1: 1,303,782 of 1,614,002 alleles (81%); highest among the groups gnomAD compares: African/African-American, 92%; 528,134 homozygotes.

Submissions (7):

Labcorp Genetics (formerly Invitae), Labcorp
Classification: Benign. Last evaluated: 2026-02-03. Review status: criteria provided, single submitter. Criteria: Invitae Variant Classification Sherloc (09022015). Collection method: clinical testing. Allele origin: germline.

Blueprint Genetics
Classification: Benign. Last evaluated: 2024-11-26. Review status: criteria provided, single submitter. Criteria: ACMG Guidelines, 2015. Collection method: clinical testing. Allele origin: germline.

Genome-Nilou Lab
Classification: Benign for Adams-Oliver syndrome 1. Last evaluated: 2021-07-14. Review status: criteria provided, single submitter. Criteria: ACMG Guidelines, 2015. Collection method: clinical testing. Allele origin: germline. Affected: no.

GeneDx
Classification: Benign. Last evaluated: 2018-10-16. Review status: criteria provided, single submitter. Criteria: GeneDx Variant Classification Process June 2021. Collection method: clinical testing. Allele origin: germline. Affected: yes.

Eurofins Ntd Llc (ga)
Classification: Benign. Last evaluated: 2016-11-10. Review status: criteria provided, single submitter. Criteria: EGL Classification Definitions 2015. Collection method: clinical testing. Allele origin: germline. Observed: 2 variant alleles, 2 homozygotes.

Laboratory for Molecular Medicine, Mass General Brigham Personalized Medicine
Classification: Benign. Last evaluated: 2016-03-29. Review status: criteria provided, single submitter. Criteria: LMM Criteria. Collection method: clinical testing. Allele origin: germline.
Comment: Variant identified in a genome or exome case(s) and assessed due to predicted null impact of the variant or pathogenic assertions in the literature or databases. Disclaimer: This variant has not undergone full assessment. The following are preliminary notes: 81% of total chromosomes in ExAC

Breakthrough Genomics
Classification: Benign. Review status: criteria provided, single submitter. Criteria: ACMG Guidelines, 2015. Collection method: not provided. Allele origin: germline. Inheritance: Autosomal dominant inheritance. Affected: yes.